The following is an entry in ClinVar:

ClinVar aggregate classification (germline): Uncertain significance. Review status: criteria provided, multiple submitters, no conflicts (2 of 4 stars). 3 submissions from 3 submitters: Uncertain significance (3). Last evaluated 2024-04-16.

Conditions:
Familial thoracic aortic aneurysm and aortic dissection (TAAD). Also called: Thoracic aortic aneurysms and dissections. Identifiers: Orphanet 91387, MedGen C4707243, MONDO:0019625.
Aortic aneurysm, familial thoracic 4 (AAT4). Also called: AORTIC ANEURYSM/AORTIC DISSECTION AND PATENT DUCTUS ARTERIOSUS. Identifiers: MedGen C1851504, MONDO:0007568, OMIM 132900.

Allele frequency attached by ClinVar (database versions not stated): gnomAD 0.00001; gnomAD exomes 0.00001 and 0.00003; ExAC 0.00002; TOPMed 0.00002.
gnomAD v4.1: 9 of 1,613,996 alleles (0.00056%); highest among the groups gnomAD compares: Admixed American, 0.013%; no homozygotes.

Submissions (3):

All of Us Research Program, National Institutes of Health
Classification: Uncertain significance for Familial thoracic aortic aneurysm and aortic dissection. Last evaluated: 2024-04-16. Review status: criteria provided, single submitter. Criteria: ACMG Guidelines, 2015. Collection method: clinical testing. Allele origin: germline. Inheritance: Autosomal dominant inheritance. Observed: 6 variant alleles, 6 heterozygotes.
Comment: This missense variant replaces methionine with valine at codon 798 of the MYH11 protein. Computational prediction suggests that this variant may not impact protein structure and function (internally defined REVEL score threshold <= 0.5, PMID: 27666373). To our knowledge, functional studies have not been reported for this variant. This variant has not been reported in individuals affected with cardiovascular disorders in the literature. This variant has been identified in 7/251494 chromosomes in the general population by the Genome Aggregation Database (gnomAD). The available evidence is insufficient to determine the role of this variant in disease conclusively. Therefore, this variant is classified as a Variant of Uncertain Significance.

This study involves interpretation of variants in research participants for the purpose of population health screening. Participant phenotype was not available at the time of variant classification. Additional details can be found in publication PMID: 35346344, PMCID: PMC8962531

Color Diagnostics, LLC DBA Color Health
Classification: Uncertain significance for Familial thoracic aortic aneurysm and aortic dissection. Last evaluated: 2024-03-07. Review status: criteria provided, single submitter. Criteria: ACMG Guidelines, 2015. Collection method: clinical testing. Allele origin: germline.
Comment: This missense variant replaces methionine with valine at codon 798 of the MYH11 protein. Computational prediction suggests that this variant may not impact protein structure and function (internally defined REVEL score threshold <= 0.5, PMID: 27666373). To our knowledge, functional studies have not been reported for this variant. This variant has not been reported in individuals affected with cardiovascular disorders in the literature. This variant has been identified in 7/251494 chromosomes in the general population by the Genome Aggregation Database (gnomAD). The available evidence is insufficient to determine the role of this variant in disease conclusively. Therefore, this variant is classified as a Variant of Uncertain Significance.

Labcorp Genetics (formerly Invitae), Labcorp
Classification: Uncertain significance for Aortic aneurysm, familial thoracic 4. Last evaluated: 2021-08-28. Review status: criteria provided, single submitter. Criteria: Invitae Variant Classification Sherloc (09022015). Collection method: clinical testing. Allele origin: germline.
Comment: This sequence change replaces methionine with valine at codon 798 of the MYH11 protein (p.Met798Val). The methionine residue is highly conserved and there is a small physicochemical difference between methionine and valine. This variant is present in population databases (rs780266654, ExAC 0.02%). This variant has not been reported in the literature in individuals affected with MYH11-related conditions. Algorithms developed to predict the effect of missense changes on protein structure and function (SIFT, PolyPhen-2, Align-GVGD) all suggest that this variant is likely to be tolerated. In summary, the available evidence is currently insufficient to determine the role of this variant in disease. Therefore, it has been classified as a Variant of Uncertain Significance.

NM_002474.3(MYH11):c.2371A>G (p.Met791Val)

Gene: MYH11 (myosin heavy chain 11; minus strand). Cytogenetic location: 16p13.11.
Variant type: single nucleotide variant.
Coding change: c.2371A>G on transcript NM_002474.3 (MANE Select); coding-DNA position 2371, A replaced by G.
Protein change: p.Met791Val; replaces methionine 791 with valine.
Molecular consequence: missense variant.
Genome position (GRCh38, 1-based): chr16:15,747,610, T>C on the plus strand (A>G on the coding strand, the complement: MYH11 is on the minus strand). VCF-style: chr16-15747610-T-C. GRCh37 (hg19) VCF-style: chr16-15841467-T-C.
Other names: c.2392A>G, p.Met798Val (NM_001040113.2, NM_001040114.2); c.2371A>G, p.Met791Val (NM_022844.3); short protein forms M798V, M791V.
Identifiers: ClinVar variation 919059 (VCV000919059.13), dbSNP rs780266654, ClinGen allele CA7922304.